The following is an entry in ClinVar:

ClinVar aggregate classification (germline): Uncertain significance (1 of 4 stars; one submission).

Submission:

Dasa
Classification: Uncertain significance. Last evaluated: 2025-10-09. Review status: criteria provided, single submitter. Criteria: DASA Assertion Criteria. Collection method: clinical testing. Allele origin: germline.
Comment: NM_001110556.2(FLNA):c.7799C>G (p.Pro2600Arg) is a missense variant that results in the substitution of proline with arginine. This variant is absent from population databases. Computational prediction algorithms are consistent with a deleterious effect. The currently available literature and clinical evidence are not sufficient to establish a definitive association between this variant and the reported condition. Therefore, this variant is classified as a variant of uncertain significance.

NM_001110556.2(FLNA):c.7799C>G (p.Pro2600Arg)

Genes: FLNA (filamin A; minus strand), LOC107988032 (Xq28 proximal FLNA-EMD recombination region; plus strand). Cytogenetic location: Xq28.
Variant type: single nucleotide variant.
Coding change: c.7799C>G on transcript NM_001110556.2 (MANE Select); coding-DNA position 7799, C replaced by G.
Protein change: p.Pro2600Arg; replaces proline 2600 with arginine.
Molecular consequence: missense variant.
Genome position (GRCh38, 1-based): chrX:154,348,994, G>C on the plus strand (C>G on the coding strand, the complement: FLNA is on the minus strand). VCF-style: chrX-154348994-G-C. GRCh37 (hg19) VCF-style: chrX-153577362-G-C.
Other names: c.7775C>G, p.Pro2592Arg (NM_001456.4); short protein forms P2592R, P2600R.
Identifiers: ClinVar variation 4882354 (VCV004882354.2).